The following is an entry in ClinVar:

ClinVar aggregate classification (germline): Uncertain significance (1 of 4 stars; one submission).

gnomAD v4.1: 1 of 1,549,312 alleles (0.000065%); no homozygotes.

Submission:

GeneDx
Classification: Uncertain significance. Last evaluated: 2024-12-02. Review status: criteria provided, single submitter. Criteria: GeneDx Variant Classification Process June 2021. Collection method: clinical testing. Allele origin: germline. Affected: yes.
Comment: Not observed at significant frequency in large population cohorts (gnomAD); In silico analysis supports that this missense variant has a deleterious effect on protein structure/function; Has not been previously published as pathogenic or benign to our knowledge

NM_001145026.2(PTPRQ):c.6388G>A (p.Val2130Met)

Gene: PTPRQ (protein tyrosine phosphatase receptor type Q; plus strand). Cytogenetic location: 12q21.31.
Variant type: single nucleotide variant.
Coding change: c.6388G>A on transcript NM_001145026.2 (MANE Select); coding-DNA position 6388, G replaced by A.
Protein change: p.Val2130Met; replaces valine 2130 with methionine.
Molecular consequence: missense variant.
Genome position (GRCh38, 1-based): chr12:80,669,399, G>A. VCF-style: chr12-80669399-G-A. GRCh37 (hg19) VCF-style: chr12-81063178-G-A.
Other names: short protein forms V2130M.
Identifiers: ClinVar variation 3900906 (VCV003900906.1).